The following is an entry in ClinVar:

NM_000329.3(RPE65):c.361del (p.Ser121fs)

Gene: RPE65 (retinoid isomerohydrolase RPE65; minus strand). Cytogenetic location: 1p31.3.
Variant type: Deletion.
Coding change: c.361del on transcript NM_000329.3 (MANE Select); coding-DNA position 361, one base deleted (T; older notation c.361delT).
Protein change: p.Ser121fs; shifts the reading frame from serine 121.
Molecular consequence: frameshift variant.
Genome position (GRCh38, 1-based): chr1:68,444,665, A deleted on the plus strand (T on the coding strand, the reverse complement: RPE65 is on the minus strand); the first of 7 consecutive A bases (chr1:68,444,665-68,444,671); deleting any one gives the same sequence. VCF-style (leftmost placement, unchanged base first): chr1-68444664-GA-G. GRCh37 (hg19) VCF-style: chr1-68910347-GA-G.
Other names: NC_000001.10:g.68910354del; NP_000320.1:p.(Ser121LeufsTer6); NM_000329.3(RPE65):c.361del; p.Ser121fs; c.361delT (NM_000329.2); short protein forms S121fs.
Identifiers: ClinVar variation 1454323 (VCV001454323.13), dbSNP rs121918844, ClinGen allele CA523301836.

ClinVar aggregate classification (germline): Pathogenic. Review status: reviewed by expert panel (3 of 4 stars). 7 submissions from 7 submitters: Pathogenic (1). 6 of the submissions do not count toward it. Last evaluated 2026-08-06.

Conditions:
RPE65-related disorder. Also called: RPE65-related disorders; RPE65-related condition. Identifiers: MedGen CN239301.
Leber congenital amaurosis (LCA). Also called: Leber's amaurosis. Identifiers: Orphanet 65, MedGen C0339527, MeSH D057130, MONDO:0018998.
Retinal dystrophy. Also called: Inherited retinal dystrophy. Identifiers: Orphanet 71862, MedGen C0854723, MeSH D058499, MONDO:0019118, HP:0000556.
Leber congenital amaurosis 2 (LCA2). Also called: Autosomal Recessive RPE65-Related Retinal Degeneration; AMAUROSIS CONGENITA OF LEBER II. Identifiers: Orphanet 65, MedGen C1859844, MONDO:0008765, OMIM 204100. Disease mechanism: loss of function.
Retinitis pigmentosa 20 (RP20). Identifiers: Orphanet 791, MedGen C3151086, MONDO:0013425, OMIM 613794.
RPE65-related recessive retinopathy. Also called: Recessive RPE65 retinopathy. Identifiers: MedGen CN305526, MONDO:0100368.

Submissions (7):

ClinGen Leber Congenital Amaurosis/early Onset Retinal Dystrophy Variant Curation Expert Panel, ClinGen
Classification: Pathogenic for RPE65-related recessive retinopathy. Last evaluated: 2026-08-06. Review status: reviewed by expert panel. Criteria: ClinGen LCAeoRD ACMG Specifications RPE65 V1.0.0. Collection method: curation. Allele origin: germline. Inheritance: Autosomal recessive inheritance.
Comment: NM_000329.3(RPE65):c.361del (p.Ser121LeufsTer6) is a frameshift variant that introduces a premature stop codon into exon 5 of 14, and is predicted to lead to nonsense-mediated decay in a gene in which loss-of-function is an established mechanism of disease (PVS1). This variant is present in gnomAD v.4.1.1 at a GrpMax allele frequency of 0.000008750, with 3 alleles / 91,074 total alleles in the South Asian population, which is lower than the ClinGen LCA / eoRD VCEP PM2_Supporting threshold of <0.0002 (PM2_Supporting). At least one proband harboring this variant exhibits a phenotype including diagnosis of Leber congenital amaurosis (0.5 pts), extinguished electroretinogram responses from rods (0.5 pts) and cones (1 pt), and onset before age 1 year (1 pt), with genotyping by next-generation sequencing panel of 188 inherited retinal disease-associated genes that did not identify an alternative basis for retinal disease (2 pts), which together are specific for RPE65-related recessive retinopathy (total 5 points, PMID: 31630094, PP4). In summary, this variant meets the criteria to be classified as Pathogenic for RPE65-related recessive retinopathy based on the ACMG/AMP criteria applied, as specified by the ClinGen LCA/eoRD VCEP: PVS1, PM2_Supporting, and PP4. (LCA/eoRD VCEP specifications version 1.0.0).

PreventionGenetics, part of Exact Sciences
Classification: Pathogenic for RPE65-related condition. Last evaluated: 2026-05-31. Review status: criteria provided, single submitter. Criteria: ACMG Guidelines, 2015. Collection method: clinical testing. Allele origin: germline. Not counted in ClinVar's aggregate classification.
Comment: The RPE65 c.361delT variant is predicted to result in a frameshift and premature protein termination (p.Ser121Leufs*6). This variant has been reported in the homozygous and compound heterozygous states in individuals with Leber congenital amaurosis (see for examples: Coppieters et al. 2010. PubMed ID: 20683928; Kabir et al. 2013. PubMed ID: 23878505; Table S1, Xu et al. 2019. PubMed ID: 31630094). This variant is present in 0.0033% of alleles in individuals of South Asian descent in gnomAD. Frameshift variants in RPE65 are an established mechanism of disease. This variant is interpreted as pathogenic.

Natera, Inc.
Classification: Pathogenic for Leber congenital amaurosis. Last evaluated: 2025-11-24. Review status: criteria provided, single submitter. Criteria: Natera Variant Classification Schema (03/2026). Collection method: clinical testing. Allele origin: germline. Not counted in ClinVar's aggregate classification.
Comment: The c.361delT variant in RPE65 is a frameshift variant predicted to shift the reading frame beginning at codon 121 and leads to a stop codon 6 codons downstream. This variant is expected to result in nonsense mediated decay, truncation, or a dysfunctional protein product. This variant is rare in the general population with a frequency below the threshold expected for the associated phenotype(s). This variant has been observed in one or more individuals affected with the associated recessive disease, as either homozygous or compound heterozygous with a second variant (PMID: 20683928). Given the available evidence, this variant is classified as Pathogenic.

Ophthalmic Genetics Group, Institute of Molecular and Clinical Ophthalmology Basel
Classification: Pathogenic for Retinal dystrophy. Last evaluated: 2024-05-27. Review status: criteria provided, single submitter. Criteria: ACMG Guidelines, 2015. Collection method: research. Allele origin: germline. Affected: yes. Observed: 9 variant alleles. Not counted in ClinVar's aggregate classification.
Comment: This variant was classified as Pathogenic based on ACMG criteria: PVS1_very strong, PS4_mod, and PM2_mod

Myriad Genetics, Inc.
Classification: Pathogenic for RPE65-related recessive retinopathy. Last evaluated: 2024-05-14. Review status: criteria provided, single submitter. Criteria: Myriad Autosomal Dominant, Autosomal Recessive and X-Linked Classification Criteria (2023). Collection method: clinical testing. Allele origin: unknown. Not counted in ClinVar's aggregate classification.
Comment: NM_000329.2(RPE65):c.361delT(S121Lfs*6) is expected to be pathogenic in the context of inherited retinal dystrophy, RPE65-related. This variant is predicted to lead to an abnormal or absent protein product due to the creation of a premature termination codon in RPE65, a gene where loss-of-function variants are known to be pathogenic. Please note: this variant was assessed in the context of healthy population screening.

Labcorp Genetics (formerly Invitae), Labcorp
Classification: Pathogenic for Leber congenital amaurosis 2; Retinitis pigmentosa 20. Last evaluated: 2024-05-09. Review status: criteria provided, single submitter. Criteria: Invitae Variant Classification Sherloc (09022015). Collection method: clinical testing. Allele origin: germline. Not counted in ClinVar's aggregate classification.
Comment: This sequence change creates a premature translational stop signal (p.Ser121Leufs*6) in the RPE65 gene. It is expected to result in an absent or disrupted protein product. Loss-of-function variants in RPE65 are known to be pathogenic (PMID: 9326941, 9501220, 9843205, 18632300). This variant is present in population databases (no rsID available, gnomAD 0.003%). This premature translational stop signal has been observed in individual(s) with autosomal recessive Leber congenital amaurosis and/or autosomal recessive retinitis pigmentosa (PMID: 20683928, 23878505, 31630094). ClinVar contains an entry for this variant (Variation ID: 1454323). For these reasons, this variant has been classified as Pathogenic.

Baylor Genetics
Classification: Pathogenic for Leber congenital amaurosis 2. Last evaluated: 2023-09-30. Review status: criteria provided, single submitter. Criteria: ACMG Guidelines, 2015. Collection method: clinical testing. Allele origin: unknown. Not counted in ClinVar's aggregate classification.

Literature cited by the submitters: PubMed 20683928 (cited by Natera, Inc. and Labcorp Genetics (formerly Invitae), Labcorp); PubMed 9326941 (cited by Ophthalmic Genetics Group, Institute of Molecular and Clinical Ophthalmology Basel and Labcorp Genetics (formerly Invitae), Labcorp); PubMed 9501220 (cited by Ophthalmic Genetics Group, Institute of Molecular and Clinical Ophthalmology Basel and Labcorp Genetics (formerly Invitae), Labcorp); PubMed 40180963 (cited by Ophthalmic Genetics Group, Institute of Molecular and Clinical Ophthalmology Basel); PubMed 9843205 (cited by Labcorp Genetics (formerly Invitae), Labcorp); PubMed 18632300 (cited by Labcorp Genetics (formerly Invitae), Labcorp); PubMed 23878505 (cited by Labcorp Genetics (formerly Invitae), Labcorp); PubMed 31630094 (cited by Labcorp Genetics (formerly Invitae), Labcorp).